The following is an entry in ClinVar:

ClinVar aggregate classification (germline): Uncertain significance (1 of 4 stars; one submission).

Submission:

CeGaT Center for Human Genetics Tuebingen
Classification: Uncertain significance. Last evaluated: 2024-07-01. Review status: criteria provided, single submitter. Criteria: CeGaT Center For Human Genetics Tuebingen Variant Classification Criteria Version 2. Collection method: clinical testing. Allele origin: germline. Affected: yes. Observed: 1 variant allele.
Comment: NAGLU: PM2

NM_000263.4(NAGLU):c.445C>T (p.Arg149Cys)

Gene: NAGLU (N-acetyl-alpha-glucosaminidase; plus strand). Cytogenetic location: 17q21.2.
Variant type: single nucleotide variant.
Coding change: c.445C>T on transcript NM_000263.4 (MANE Select); coding-DNA position 445, C replaced by T.
Protein change: p.Arg149Cys; replaces arginine 149 with cysteine.
Molecular consequence: missense variant.
Genome position (GRCh38, 1-based): chr17:42,537,459, C>T. VCF-style: chr17-42537459-C-T. GRCh37 (hg19) VCF-style: chr17-40689477-C-T.
Other names: short protein forms R149C.
Identifiers: ClinVar variation 3256980 (VCV003256980.17).